The following is an entry in ClinVar:

ClinVar aggregate classification (germline): Uncertain significance (1 of 4 stars; one submission).

Conditions:
Hereditary cancer-predisposing syndrome. Also called: Hereditary neoplastic syndrome; Neoplastic Syndromes, Hereditary; Tumor predisposition; Hereditary Cancer Syndrome. Identifiers: Orphanet 140162, MedGen C0027672, MeSH D009386, MONDO:0015356.

Submission:

Ambry Genetics
Classification: Uncertain significance for Hereditary cancer-predisposing syndrome. Last evaluated: 2025-02-21. Review status: criteria provided, single submitter. Criteria: Ambry Variant Classification Scheme 2023. Collection method: clinical testing. Allele origin: germline.
Comment: The p.K47M variant (also known as c.140A>T), located in coding exon 2 of the CDC73 gene, results from an A to T substitution at nucleotide position 140. The lysine at codon 47 is replaced by methionine, an amino acid with similar properties. This amino acid position is conserved. In addition, the in silico prediction for this alteration is inconclusive. Based on the available evidence, the clinical significance of this variant remains unclear.

NM_024529.5(CDC73):c.140A>T (p.Lys47Met)

Gene: CDC73 (cell division cycle 73; plus strand). Cytogenetic location: 1q31.2.
Variant type: single nucleotide variant.
Coding change: c.140A>T on transcript NM_024529.5 (MANE Select); coding-DNA position 140, A replaced by T.
Protein change: p.Lys47Met; replaces lysine 47 with methionine.
Molecular consequence: missense variant.
Genome position (GRCh38, 1-based): chr1:193,125,120, A>T. VCF-style: chr1-193125120-A-T. GRCh37 (hg19) VCF-style: chr1-193094250-A-T.
Other names: short protein forms K47M.
Identifiers: ClinVar variation 3829900 (VCV003829900.1).